The following is an entry in ClinVar:

ClinVar aggregate classification (germline): Uncertain significance (1 of 4 stars; one submission).

Submission:

Ambry Genetics
Classification: Uncertain significance. Last evaluated: 2022-10-23. Review status: criteria provided, single submitter. Criteria: Ambry Variant Classification Scheme 2023. Collection method: clinical testing. Allele origin: germline.
Comment: The p.Y267N variant (also known as c.799T>A), located in coding exon 8 of the A2ML1 gene, results from a T to A substitution at nucleotide position 799. The tyrosine at codon 267 is replaced by asparagine, an amino acid with dissimilar properties. This amino acid position is conserved. In addition, this alteration is predicted to be tolerated by in silico analysis. Since supporting evidence is limited at this time, the clinical significance of this alteration remains unclear.

NM_144670.6(A2ML1):c.799T>A (p.Tyr267Asn)

Gene: A2ML1 (alpha-2-macroglobulin like 1; plus strand). Cytogenetic location: 12p13.31.
Variant type: single nucleotide variant.
Coding change: c.799T>A on transcript NM_144670.6 (MANE Select); coding-DNA position 799, T replaced by A.
Protein change: p.Tyr267Asn; replaces tyrosine 267 with asparagine.
Molecular consequence: missense variant.
Genome position (GRCh38, 1-based): chr12:8,837,510, T>A. VCF-style: chr12-8837510-T-A. GRCh37 (hg19) VCF-style: chr12-8990106-T-A.
Other names: short protein forms Y267N.
Identifiers: ClinVar variation 1761556 (VCV001761556.2), dbSNP rs1943322968, ClinGen allele CA383822951.
Genomic context (GRCh38, chr12:8,837,510, plus strand): 5'-GGAAAGCCCATGCTAGGGGCAGTGCAGGTATCTGTGTGTCAGAAGGCAAATACTTACTGG[T>A]ATCGAGAGGTGGAACGGGAACAGCTTCCTGACAAATGCAGGAACCTCTCTGGACAGGTGA-3'
Protein context (NP_653271.3, residues 257-277): SVCQKANTYW[Tyr267Asn]REVEREQLPD